The following is an entry in ClinVar:

NM_001352514.2(HLCS):c.331-7111G>A

Gene: HLCS (holocarboxylase synthetase; minus strand). Cytogenetic location: 21q22.13.
Variant type: single nucleotide variant.
Coding change: c.331-7111G>A on transcript NM_001352514.2 (MANE Select); 7111 bases into the intron before coding-DNA position 331, G replaced by A.
Molecular consequence: intron variant. On other transcripts: 5 prime UTR variant (2).
Genome position (GRCh38, 1-based): chr21:36,946,105, C>T on the plus strand (G>A on the coding strand, the complement: HLCS is on the minus strand). VCF-style: chr21-36946105-C-T. GRCh37 (hg19) VCF-style: chr21-38318405-C-T.
Other names: c.-208G>A (NM_000411.8, NM_001242785.2); c.-111-7111G>A (NM_001352517.1, NM_001352515.2, NM_001352516.2 and 1 more transcripts); c.-112+1228G>A (NM_001242784.3).
Identifiers: ClinVar variation 339976 (VCV000339976.6), dbSNP rs77067023, ClinGen allele CA10650493.

ClinVar aggregate classification (germline): Benign/Likely benign. Review status: criteria provided, multiple submitters, no conflicts (2 of 4 stars). 2 submissions from 2 submitters: Benign (1); Likely benign (1). Last evaluated 2021-05-24.

Conditions:
Holocarboxylase synthetase deficiency. Also called: MULTIPLE CARBOXYLASE DEFICIENCY, EARLY ONSET. Identifiers: Orphanet 79242, MedGen C0268581, MONDO:0009666, OMIM 253270.

Allele frequency attached by ClinVar (database versions not stated): gnomAD exomes 0.00079; 1000 Genomes Project 0.01098; 1000 Genomes Project 30x 0.01156; gnomAD 0.01191; TOPMed 0.01283.
gnomAD v4.1: 2,330 of 985,180 alleles (0.24%); highest among the groups gnomAD compares: African/African-American, 3.8%; 40 homozygotes.

Submissions (2):

GeneDx
Classification: Likely benign. Last evaluated: 2021-05-24. Review status: criteria provided, single submitter. Criteria: GeneDx Variant Classification Process June 2021. Collection method: clinical testing. Allele origin: germline. Affected: yes.

Illumina Laboratory Services, Illumina
Classification: Benign for Holocarboxylase synthetase deficiency. Last evaluated: 2018-01-12. Review status: criteria provided, single submitter. Criteria: ICSL Variant Classification Criteria 13 December 2019. Collection method: clinical testing. Allele origin: germline.
Comment: This variant was observed in the ICSL laboratory as part of a predisposition screen in an ostensibly healthy population. It had not been previously curated by ICSL or reported in the Human Gene Mutation Database (HGMD: prior to June 1st, 2018), and was therefore a candidate for classification through an automated scoring system. Utilizing variant allele frequency, disease prevalence and penetrance estimates, and inheritance mode, an automated score was calculated to assess if this variant is too frequent to cause the disease. Based on the score and internal cut-off values, a variant classified as benign is not then subjected to further curation. The score for this variant resulted in a classification of benign for this disease.